The following is an entry in ClinVar:

ClinVar aggregate classification (germline): Uncertain significance (1 of 4 stars; one submission).

Conditions:
Autosomal recessive limb-girdle muscular dystrophy type 2W (MDRCMTT). Also called: Muscular dystrophy, limb-girdle, type 2W; Muscular dystrophy, autosomal recessive, with cardiomyopathy and triangular tongue. Identifiers: MedGen C4225192, MONDO:0014788, OMIM 616827.

Submission:

Labcorp Genetics (formerly Invitae), Labcorp
Classification: Uncertain significance for Autosomal recessive limb-girdle muscular dystrophy type 2W. Last evaluated: 2022-12-10. Review status: criteria provided, single submitter. Criteria: Invitae Variant Classification Sherloc (09022015). Collection method: clinical testing. Allele origin: germline.
Comment: This sequence change creates a premature translational stop signal (p.Lys343*) in the LIMS2 gene. While this is not anticipated to result in nonsense mediated decay, it is expected to disrupt the last 21 amino acid(s) of the LIMS2 protein. This variant is not present in population databases (gnomAD no frequency). This variant has not been reported in the literature in individuals affected with LIMS2-related conditions. Experimental studies and prediction algorithms are not available or were not evaluated, and the functional significance of this variant is currently unknown. In summary, the available evidence is currently insufficient to determine the role of this variant in disease. Therefore, it has been classified as a Variant of Uncertain Significance.

NM_001161403.3(LIMS2):c.960_961insT (p.Lys321Ter)

Gene: LIMS2 (LIM zinc finger domain containing 2; minus strand). Cytogenetic location: 2q14.3.
Variant type: Insertion.
Coding change: c.960_961insT on transcript NM_001161403.3 (MANE Select); coding-DNA positions 960 to 961, T inserted.
Protein change: p.Lys321Ter; replaces lysine 321 with a stop codon.
Molecular consequence: nonsense. On other transcripts: frameshift variant (1).
Genome position: GRCh38 VCF-style: chr2-127639346-T-TA. GRCh37 (hg19) VCF-style: chr2-128396921-T-TA.
Other names: c.1026_1027insT, p.Lys343Ter (NM_001136037.4); c.945_946insT, p.Lys316Ter (NM_001161404.2); c.504_505insT, p.Lys169Terfs (NM_001161405.1); c.504_505insT, p.Lys169Ter (NM_001256542.2); c.1032_1033insT, p.Lys345Ter (NM_017980.5); short protein forms K321*, K345*, K169*, K316*, K343*.
Identifiers: ClinVar variation 2811040 (VCV002811040.3), dbSNP rs2468800278, ClinGen allele CA2739271201.